The following is an entry in ClinVar:

NM_000455.5(STK11):c.921-11G>A

Gene: STK11 (serine/threonine kinase 11; plus strand). Cytogenetic location: 19p13.3.
Variant type: single nucleotide variant.
Coding change: c.921-11G>A on transcript NM_000455.5 (MANE Select); 11 bases into the intron before coding-DNA position 921, G replaced by A.
Molecular consequence: intron variant.
Genome position (GRCh38, 1-based): chr19:1,222,974, G>A. VCF-style: chr19-1222974-G-A. GRCh37 (hg19) VCF-style: chr19-1222973-G-A.
Other names: c.921-11G>A (NM_001407255.1).
Identifiers: ClinVar variation 4719899 (VCV004719899.1).

ClinVar aggregate classification (germline): Uncertain significance (1 of 4 stars; one submission).

Conditions:
Peutz-Jeghers syndrome (PJS). Also called: POLYPOSIS, HAMARTOMATOUS INTESTINAL; POLYPS-AND-SPOTS SYNDROME; Peutz-Jeghers polyposis; Periorificial lentiginosis syndrome. Identifiers: Orphanet 2869, MedGen C0031269, MeSH D010580, MONDO:0008280, OMIM 175200.

Submission:

Labcorp Genetics (formerly Invitae), Labcorp
Classification: Uncertain significance for Peutz-Jeghers syndrome. Last evaluated: 2025-05-20. Review status: criteria provided, single submitter. Criteria: Invitae Variant Classification Sherloc (09022015). Collection method: clinical testing. Allele origin: germline.
Comment: This sequence change falls in intron 7 of the STK11 gene. It does not directly change the encoded amino acid sequence of the STK11 protein. This variant is not present in population databases (gnomAD no frequency). This variant has not been reported in the literature in individuals affected with STK11-related conditions. Algorithms developed to predict the effect of sequence changes on RNA splicing suggest that this variant may disrupt the consensus splice site. In summary, the available evidence is currently insufficient to determine the role of this variant in disease. Therefore, it has been classified as a Variant of Uncertain Significance.